The following is an entry in ClinVar:

ClinVar aggregate classification (germline): Pathogenic (1 of 4 stars; one submission).

Allele frequency attached by ClinVar (database versions not stated): gnomAD exomes below 0.00001.

Submission:

Labcorp Genetics (formerly Invitae), Labcorp
Classification: Pathogenic. Last evaluated: 2021-10-14. Review status: criteria provided, single submitter. Criteria: Invitae Variant Classification Sherloc (09022015). Collection method: clinical testing. Allele origin: germline.
Comment: This variant has not been reported in the literature in individuals affected with COL2A1-related conditions. For these reasons, this variant has been classified as Pathogenic. This variant is not present in population databases (ExAC no frequency). This sequence change creates a premature translational stop signal (p.Ser1001Glyfs*2) in the COL2A1 gene. It is expected to result in an absent or disrupted protein product. Loss-of-function variants in COL2A1 are known to be pathogenic (PMID: 20179744).

Literature cited by the submitters: PubMed 20179744.

NM_001844.5(COL2A1):c.3000_3001del (p.Ser1001fs)

Gene: COL2A1 (collagen type II alpha 1 chain; minus strand). Cytogenetic location: 12q13.11.
Variant type: Deletion.
Coding change: c.3000_3001del on transcript NM_001844.5 (MANE Select); coding-DNA positions 3000 to 3001, 2 bases deleted (GT; older notation c.3000_3001delGT).
Protein change: p.Ser1001fs; shifts the reading frame from serine 1001.
Molecular consequence: frameshift variant.
Genome position (GRCh38, 1-based): chr12:47,978,293-47,978,294, AC deleted on the plus strand (GT on the coding strand, the reverse complement: COL2A1 is on the minus strand). VCF-style (leftmost placement, unchanged base first): chr12-47978292-GAC-G. GRCh37 (hg19) VCF-style: chr12-48372075-GAC-G.
Other names: c.2793_2794del, p.Ser932fs (NM_033150.3); short protein forms S1001fs, S932fs.
Identifiers: ClinVar variation 1409446 (VCV001409446.6), dbSNP rs2136526175, ClinGen allele CA2573148632.